The following is an entry in ClinVar:

NM_000444.6(PHEX):c.81C>T (p.Val27=)

Gene: PHEX (phosphate regulating endopeptidase X-linked; plus strand). Cytogenetic location: Xp22.11.
Variant type: single nucleotide variant.
Coding change: c.81C>T on transcript NM_000444.6 (MANE Select); coding-DNA position 81, C replaced by T.
Protein change: p.Val27=; no amino-acid change (valine 27 retained).
Molecular consequence: synonymous variant.
Genome position (GRCh38, 1-based): chrX:22,033,086, C>T. VCF-style: chrX-22033086-C-T. GRCh37 (hg19) VCF-style: chrX-22051204-C-T.
Other names: c.81C>T, p.Val27= (NM_001282754.2).
Identifiers: ClinVar variation 368158 (VCV000368158.16), dbSNP rs139862893, ClinGen allele CA10367959.

ClinVar aggregate classification (germline): Benign/Likely benign. Review status: criteria provided, multiple submitters, no conflicts (2 of 4 stars). 3 submissions from 3 submitters: Benign (2); Likely benign (1). Last evaluated 2025-08-18.

Conditions:
Familial X-linked hypophosphatemic vitamin D refractory rickets (XLHRD). Also called: X-Linked Hypophosphatemia; HYPOPHOSPHATEMIC VITAMIN D-RESISTANT RICKETS; Hypophosphatemic Rickets, X-Linked Dominant; Hypophosphatemia, vitamin D-resistant rickets; Vitamin D-resistant rickets, X-linked. Identifiers: Orphanet 89936, MedGen C0733682, MONDO:0010619, OMIM 307800.

Allele frequency attached by ClinVar (database versions not stated): ExAC 0.00023; gnomAD exomes 0.00025; 1000 Genomes Project 0.00053; 1000 Genomes Project 30x 0.00062; gnomAD 0.00076 and 0.00082; ESP Exome Variant Server 0.00095; TOPMed 0.00099.
gnomAD v4.1: 167 of 1,205,614 alleles (0.014%); highest among the groups gnomAD compares: African/African-American, 0.2%; no homozygotes.

Submissions (3):

Labcorp Genetics (formerly Invitae), Labcorp
Classification: Benign. Last evaluated: 2025-08-18. Review status: criteria provided, single submitter. Criteria: Invitae Variant Classification Sherloc (09022015). Collection method: clinical testing. Allele origin: germline.

Fulgent Genetics
Classification: Likely benign for Familial X-linked hypophosphatemic vitamin D refractory rickets. Last evaluated: 2021-09-01. Review status: criteria provided, single submitter. Criteria: ACMG Guidelines, 2015. Collection method: clinical testing. Allele origin: unknown.

Illumina Laboratory Services, Illumina
Classification: Benign for Familial X-linked hypophosphatemic vitamin D refractory rickets. Last evaluated: 2018-01-12. Review status: criteria provided, single submitter. Criteria: ICSL Variant Classification Criteria 13 December 2019. Collection method: clinical testing. Allele origin: germline.
Comment: This variant was observed in the ICSL laboratory as part of a predisposition screen in an ostensibly healthy population. It had not been previously curated by ICSL or reported in the Human Gene Mutation Database (HGMD: prior to June 1st, 2018), and was therefore a candidate for classification through an automated scoring system. Utilizing variant allele frequency, disease prevalence and penetrance estimates, and inheritance mode, an automated score was calculated to assess if this variant is too frequent to cause the disease. Based on the score and internal cut-off values, a variant classified as benign is not then subjected to further curation. The score for this variant resulted in a classification of benign for this disease.